The following is an entry in ClinVar:

ClinVar aggregate classification (germline): Conflicting classifications of pathogenicity. Review status: criteria provided, conflicting classifications (1 of 4 stars). 3 submissions from 3 submitters: Uncertain significance (1); Likely benign (2). Last evaluated 2026-03-01.

Allele frequency attached by ClinVar (database versions not stated): gnomAD 0.00001.
gnomAD v4.1: 6 of 1,550,316 alleles (0.00039%); highest among the groups gnomAD compares: Non-Finnish European, 0.00052%; no homozygotes.

Submissions (3):

CeGaT Center for Human Genetics Tuebingen
Classification: Likely benign. Last evaluated: 2026-03-01. Review status: criteria provided, single submitter. Criteria: CeGaT Center For Human Genetics Tuebingen Variant Classification Criteria Version 2. Collection method: clinical testing. Allele origin: germline. Affected: yes. Observed: 1 variant allele.
Comment: PIEZO1: BP4, BP7

Blueprint Genetics
Classification: Likely benign. Last evaluated: 2023-10-04. Review status: criteria provided, single submitter. Criteria: ACMG Guidelines, 2015. Collection method: clinical testing. Allele origin: germline.

Mayo Clinic Laboratories, Mayo Clinic
Classification: Uncertain significance. Last evaluated: 2019-06-20. Review status: criteria provided, single submitter. Criteria: ACMG Guidelines, 2015. Collection method: clinical testing. Allele origin: germline. Observed: 1 variant allele.

NM_001142864.4(PIEZO1):c.1797C>G (p.Val599=)

Genes: HSALR1 (HSP90AB1 associated lncRNA 1; plus strand), PIEZO1 (piezo type mechanosensitive ion channel component 1 (Er blood group); minus strand). Cytogenetic location: 16q24.3.
Variant type: single nucleotide variant.
Coding change: c.1797C>G on transcript NM_001142864.4 (MANE Select); coding-DNA position 1797, C replaced by G.
Protein change: p.Val599=; no amino-acid change (valine 599 retained).
Molecular consequence: synonymous variant.
Genome position (GRCh38, 1-based): chr16:88,734,926, G>C on the plus strand (C>G on the coding strand, the complement: PIEZO1 is on the minus strand). VCF-style: chr16-88734926-G-C. GRCh37 (hg19) VCF-style: chr16-88801334-G-C.
Identifiers: ClinVar variation 1162804 (VCV001162804.10), dbSNP rs1217615579, ClinGen allele CA497367204.